The following is an entry in ClinVar:

ClinVar aggregate classification (germline): Likely pathogenic (1 of 4 stars; one submission).

Conditions:
Primary ciliary dyskinesia. Also called: Ciliary dyskinesia. Identifiers: Orphanet 244, MedGen C0008780, MONDO:0016575, HP:0012265.

Submission:

Labcorp Genetics (formerly Invitae), Labcorp
Classification: Likely pathogenic for Primary ciliary dyskinesia. Last evaluated: 2023-01-05. Review status: criteria provided, single submitter. Criteria: Invitae Variant Classification Sherloc (09022015). Collection method: clinical testing. Allele origin: germline.
Comment: In summary, the currently available evidence indicates that the variant is pathogenic, but additional data are needed to prove that conclusively. Therefore, this variant has been classified as Likely Pathogenic. Algorithms developed to predict the effect of sequence changes on RNA splicing suggest that this variant may disrupt the consensus splice site. This variant has not been reported in the literature in individuals affected with DNAH5-related conditions. This variant is not present in population databases (gnomAD no frequency). This sequence change affects an acceptor splice site in intron 21 of the DNAH5 gene. It is expected to disrupt RNA splicing. Variants that disrupt the donor or acceptor splice site typically lead to a loss of protein function (PMID: 16199547), and loss-of-function variants in DNAH5 are known to be pathogenic (PMID: 11788826, 16627867).

Literature cited by the submitters: PubMed 16199547; PubMed 11788826; PubMed 16627867.

NM_001369.3(DNAH5):c.3263-2A>G

Genes: DNAH5 (dynein axonemal heavy chain 5; minus strand), DNAH5-AS1 (DNAH5 antisense RNA 1; plus strand). Cytogenetic location: 5p15.2.
Variant type: single nucleotide variant.
Coding change: c.3263-2A>G on transcript NM_001369.3 (MANE Select); the canonical splice acceptor site of the intron before coding-DNA position 3263, A replaced by G.
Molecular consequence: splice acceptor variant.
Genome position (GRCh38, 1-based): chr5:13,876,819, T>C on the plus strand (A>G on the coding strand, the complement: DNAH5 is on the minus strand). VCF-style: chr5-13876819-T-C. GRCh37 (hg19) VCF-style: chr5-13876928-T-C.
Identifiers: ClinVar variation 2826270 (VCV002826270.3), dbSNP rs1327044106, ClinGen allele CA359190455.